The following is an entry in ClinVar:

NM_001354604.2(MITF):c.1327_1328insG (p.Thr443fs)

Gene: MITF (melanocyte inducing transcription factor; plus strand). Cytogenetic location: 3p13.
Variant type: Insertion.
Coding change: c.1327_1328insG on transcript NM_001354604.2 (MANE Select); coding-DNA positions 1327 to 1328, G inserted.
Protein change: p.Thr443fs; shifts the reading frame from threonine 443.
Molecular consequence: frameshift variant.
Genome position: GRCh38 VCF-style: chr3-69964994-A-AG. GRCh37 (hg19) VCF-style: chr3-70014145-A-AG.
Other names: c.1006_1007insG, p.Thr336fs (NM_000248.4); c.1153_1154insG, p.Thr385fs (NM_001184967.2, NM_001354608.2); c.1324_1325insG, p.Thr442fs (NM_001354605.2); c.1306_1307insG, p.Thr436fs (NM_001354606.2, NM_006722.3); c.1258_1259insG, p.Thr420fs (NM_001354607.2); c.988_989insG, p.Thr330fs (NM_198158.3); c.1309_1310insG, p.Thr437fs (NM_198159.3); c.1261_1262insG, p.Thr421fs (NM_198177.3); and 1 more; short protein forms T274fs, T421fs, T385fs, T420fs, T437fs, T336fs, T442fs, T330fs.
Identifiers: ClinVar variation 4786390 (VCV004786390.1).

ClinVar aggregate classification (germline): Pathogenic (1 of 4 stars; one submission).

Conditions:
Melanoma, cutaneous malignant, susceptibility to, 8. Also called: MELANOMA AND RENAL CELL CARCINOMA, SUSCEPTIBILITY TO; Cutaneous malignant melanoma 8. Identifiers: Orphanet 293822, MedGen C3152204, MONDO:0013759, OMIM 614456.
Tietz syndrome (TADS). Also called: TIETZ ALBINISM-DEAFNESS SYNDROME; ALBINISM-DEAFNESS OF TIETZ; HYPOPIGMENTATION/DEAFNESS OF TIETZ. Identifiers: Orphanet 42665, MedGen C0391816, MONDO:0007077, OMIM 103500.
Waardenburg syndrome type 2A (WS2A). Also called: WAARDENBURG SYNDROME WITHOUT DYSTOPIA CANTHORUM. Identifiers: Orphanet 3440, MedGen C1860339, MONDO:0008671, OMIM 193510.

Submission:

Labcorp Genetics (formerly Invitae), Labcorp
Classification: Pathogenic for Melanoma, cutaneous malignant, susceptibility to, 8; Waardenburg syndrome type 2A; Tietz syndrome. Last evaluated: 2025-10-16. Review status: criteria provided, single submitter. Criteria: Invitae Variant Classification Sherloc (09022015). Collection method: clinical testing. Allele origin: germline.
Comment: This sequence change creates a premature translational stop signal (p.Thr336Serfs*24) in the MITF gene. While this is not anticipated to result in nonsense mediated decay, it is expected to disrupt the last 84 amino acid(s) of the MITF protein. This variant is not present in population databases (gnomAD no frequency). This variant has not been reported in the literature in individuals affected with MITF-related conditions. This variant disrupts a region of the MITF protein in which other variant(s) (p.Asn352Lysfs*27) have been determined to be pathogenic (PMID: 34142234). This suggests that this is a clinically significant region of the protein, and that variants that disrupt it are likely to be disease-causing. For these reasons, this variant has been classified as Pathogenic.

Literature cited by the submitters: PubMed 34142234.